The following is an entry in ClinVar:

ClinVar aggregate classification (germline): Likely pathogenic (1 of 4 stars; one submission).

Conditions:
Autosomal recessive polycystic kidney disease (ARPKD). Also called: AR polycystic kidney disease. Identifiers: Orphanet 731, Orphanet 8378, MedGen C0085548, MeSH D017044, MONDO:0009889.

Submission:

Natera, Inc.
Classification: Likely pathogenic for Autosomal recessive polycystic kidney disease. Last evaluated: 2025-09-15. Review status: criteria provided, single submitter. Criteria: Natera Variant Classification Schema (03/2026). Collection method: clinical testing. Allele origin: germline.
Comment: The c.131-1G>C variant in PKHD1 is a canonical splice acceptor site variant predicted to affect pre-mRNA splicing, which may result in an abnormal transcript and altered protein product. This variant is expected to result in nonsense mediated decay, truncation, or a dysfunctional protein product. This variant is rare in the general population with a frequency below the threshold expected for the associated phenotype(s). Given the available evidence, this variant is classified as Likely Pathogenic.

NM_138694.4(PKHD1):c.131-1G>C

Gene: PKHD1 (PKHD1 ciliary IPT domain containing fibrocystin/polyductin; minus strand). Cytogenetic location: 6p12.2.
Variant type: single nucleotide variant.
Coding change: c.131-1G>C on transcript NM_138694.4 (MANE Select); the canonical splice acceptor site of the intron before coding-DNA position 131, G replaced by C.
Molecular consequence: splice acceptor variant.
Genome position (GRCh38, 1-based): chr6:52,082,543, C>G on the plus strand (G>C on the coding strand, the complement: PKHD1 is on the minus strand). VCF-style: chr6-52082543-C-G. GRCh37 (hg19) VCF-style: chr6-51947341-C-G.
Other names: c.131-1G>C (NM_170724.3).
Identifiers: ClinVar variation 4816574 (VCV004816574.1).